The following is an entry in ClinVar:

ClinVar aggregate classification (germline): Likely pathogenic (1 of 4 stars; one submission).

Allele frequency attached by ClinVar (database versions not stated): ExAC 0.00002; gnomAD 0.00002; gnomAD exomes 0.00002 and 0.00007; TOPMed 0.00003.

Submission:

GeneDx
Classification: Likely pathogenic. Last evaluated: 2015-03-06. Review status: criteria provided, single submitter. Criteria: GeneDx Variant Classification (06012015). Collection method: clinical testing. Allele origin: germline. Affected: yes.
Comment: The c.1220+2dupT variant has not been published as a pathogenic variant, nor has it been reported as a benignpolymorphism to our knowledge. Several in-silico splice prediction models predict that c.1220+2dupTdestroys the splice donor site in intron 13, and may lead to abnormal gene splicing. However, in the absenceof RNA/functional studies, the actual effect of this sequence change is unknown. Therefore,this variant is a strong candidate for a pathogenic variant, however the possibility that it is a benign variantcannot be excluded.

NM_032380.5(GFM2):c.1220+2dup

Gene: GFM2 (GTP dependent ribosome recycling factor mitochondrial 2; minus strand). Cytogenetic location: 5q13.3.
Variant type: Duplication.
Coding change: c.1220+2dup on transcript NM_032380.5 (MANE Select); the canonical splice donor site of the intron after coding-DNA position 1220, one base duplicated (T; older notation c.1220+2dupT).
Molecular consequence: splice donor variant. On other transcripts: intron variant (1).
Genome position (GRCh38, 1-based): chr5:74,738,500, A duplicated on the plus strand (T on the coding strand, the reverse complement: GFM2 is on the minus strand). VCF-style (leftmost placement, unchanged base first): chr5-74738499-T-TA. GRCh37 (hg19) VCF-style: chr5-74034324-T-TA.
Other names: c.1080-83dup (NM_170691.3); c.1316+2dup (NM_001281302.2); c.1220+2dup (NM_170681.3).
Identifiers: ClinVar variation 372580 (VCV000372580.1), dbSNP rs773010798, ClinGen allele CA3306591.